The following is an entry in ClinVar:

NM_001276345.2(TNNT2):c.847A>C (p.Lys283Gln)

Gene: TNNT2 (troponin T2, cardiac type; minus strand). Cytogenetic location: 1q32.1.
Variant type: single nucleotide variant.
Coding change: c.847A>C on transcript NM_001276345.2 (MANE Select); coding-DNA position 847, A replaced by C.
Protein change: p.Lys283Gln; replaces lysine 283 with glutamine.
Molecular consequence: missense variant.
Genome position (GRCh38, 1-based): chr1:201,359,627, T>G on the plus strand (A>C on the coding strand, the complement: TNNT2 is on the minus strand). VCF-style: chr1-201359627-T-G. GRCh37 (hg19) VCF-style: chr1-201328755-T-G.
Other names: c.838A>C, p.Lys280Gln (NM_000364.4); c.817A>C, p.Lys273Gln (NM_001001430.3, NM_001276347.2); c.808A>C, p.Lys270Gln (NM_001001431.3); c.799A>C, p.Lys267Gln (NM_001001432.3); c.718A>C, p.Lys240Gln (NM_001276346.2); short protein forms K240Q, K267Q, K270Q, K273Q, K280Q, K283Q.
Identifiers: ClinVar variation 694541 (VCV000694541.5), dbSNP rs1553279294, ClinGen allele CA344202335.

ClinVar aggregate classification (germline): Conflicting classifications of pathogenicity. Review status: criteria provided, conflicting classifications (1 of 4 stars). 3 submissions from 3 submitters: Likely pathogenic (1); Uncertain significance (2). Last evaluated 2026-06-01.

Conditions:
Hypertrophic cardiomyopathy. Also called: HYPERTROPHIC MYOCARDIOPATHY. Identifiers: Orphanet 217569, MedGen C0007194, MeSH D002312, MONDO:0005045, HP:0001639.
Hypertrophic cardiomyopathy 2. Also called: TNNT2-Related Familial Hypertrophic Cardiomyopathy. Identifiers: MedGen C1861864, MONDO:0007266, OMIM 115195.

Submissions (3):

CeGaT Center for Human Genetics Tuebingen
Classification: Uncertain significance. Last evaluated: 2026-06-01. Review status: criteria provided, single submitter. Criteria: CeGaT Center For Human Genetics Tuebingen Variant Classification Criteria Version 2. Collection method: clinical testing. Allele origin: germline. Affected: yes. Observed: 1 variant allele.
Comment: TNNT2: PM2, PM5, PS4:Supporting

UAEU Genomics Laboratory, United Arab Emirates University
Classification: Likely pathogenic for Hypertrophic cardiomyopathy 2. Last evaluated: 2025-01-08. Review status: criteria provided, single submitter. Criteria: ACMG Guidelines, 2015. Collection method: research. Allele origin: germline. Affected: yes. Observed: 1 variant allele.
Comment: PM2, PM1,PM5

Genetics and Genomics Program, Sidra Medicine
Classification: Uncertain significance for Hypertrophic cardiomyopathy. Review status: criteria provided, single submitter. Criteria: ACMG Guidelines, 2015. Collection method: research. Allele origin: unknown. Affected: yes. Observed: 1 variant allele.